The following is an entry in ClinVar:

ClinVar aggregate classification (germline): Benign (1 of 4 stars; one submission).

Allele frequency attached by ClinVar (database versions not stated): 1000 Genomes Project 0.17712; gnomAD 0.21046 and 0.21163; 1000 Genomes Project 30x 0.22392.
gnomAD v4.1: 27,344 of 127,934 alleles (21%); highest among the groups gnomAD compares: South Asian, 27%; 7,279 homozygotes.

Submission:

GeneDx
Classification: Benign. Last evaluated: 2018-06-19. Review status: criteria provided, single submitter. Criteria: GeneDx Variant Classification (06012015). Collection method: clinical testing. Allele origin: germline. Affected: yes.
Comment: This variant is considered likely benign or benign based on one or more of the following criteria: it is a conservative change, it occurs at a poorly conserved position in the protein, it is predicted to be benign by multiple in silico algorithms, and/or has population frequency not consistent with disease.

NM_000071.3(CBS):c.828+237C>T

Gene: CBS (cystathionine beta-synthase; minus strand). Cytogenetic location: 21q22.3.
Variant type: single nucleotide variant.
Coding change: c.828+237C>T on transcript NM_000071.3 (MANE Select); 237 bases into the intron after coding-DNA position 828, C replaced by T.
Molecular consequence: intron variant.
Genome position (GRCh38, 1-based): chr21:43,063,663, G>A on the plus strand (C>T on the coding strand, the complement: CBS is on the minus strand). VCF-style: chr21-43063663-G-A. GRCh37 (hg19) VCF-style: chr21-44483773-G-A.
Other names: c.828+237C>T (NM_001320298.2, NM_001178009.3, NM_001178008.3); c.513+237C>T (NM_001321072.1).
Identifiers: ClinVar variation 678456 (VCV000678456.1), dbSNP rs1788466, ClinGen allele CA321093869.